The following is an entry in ClinVar:

ClinVar aggregate classification (germline): Uncertain significance. Review status: criteria provided, multiple submitters, no conflicts (2 of 4 stars). 5 submissions from 5 submitters: Uncertain significance (5). Last evaluated 2024-09-02.

Conditions:
Cardiovascular phenotype. Identifiers: MedGen CN230736.
Arrhythmogenic right ventricular cardiomyopathy (ARVD). Also called: Arrhythmogenic cardiomyopathy; Cardiomyopathy, ARVC; Arrhythmogenic right ventricular dysplasia; Arrhythmogenic Right Ventricular Cardiomyopathy (ARVC). Identifiers: Orphanet 247, MedGen C0349788, MeSH D019571, MONDO:0016587. Disease mechanism: loss of function. Inheritance: Various modes of inheritance.
Cardiomyopathy (CMYO). Also called: Cardiomyopathies. Identifiers: Orphanet 167848, MedGen C0878544, MONDO:0004994, HP:0001638. Inheritance: Various modes of inheritance.
Arrhythmogenic right ventricular dysplasia 9 (ARVD9). Also called: Arrhythmogenic Right Ventricular Dysplasia/Cardiomyopathy 9; ARRHYTHMOGENIC RIGHT VENTRICULAR DYSPLASIA, FAMILIAL, 9. Identifiers: MedGen C1836906, MONDO:0012180, OMIM 609040.

Allele frequency attached by ClinVar (database versions not stated): gnomAD exomes 0.00001; TOPMed 0.00001; ExAC 0.00002; gnomAD 0.00002; ESP Exome Variant Server 0.00008.
gnomAD v4.1: 3 of 1,613,738 alleles (0.00019%); highest among the groups gnomAD compares: African/African-American, 0.004%; no homozygotes.

Submissions (5):

Labcorp Genetics (formerly Invitae), Labcorp
Classification: Uncertain significance for Arrhythmogenic right ventricular dysplasia 9. Last evaluated: 2024-09-02. Review status: criteria provided, single submitter. Criteria: Invitae Variant Classification Sherloc (09022015). Collection method: clinical testing. Allele origin: germline.
Comment: This sequence change replaces glycine, which is neutral and non-polar, with cysteine, which is neutral and slightly polar, at codon 548 of the PKP2 protein (p.Gly548Cys). This variant is present in population databases (rs374641292, gnomAD 0.01%). This variant has not been reported in the literature in individuals affected with PKP2-related conditions. ClinVar contains an entry for this variant (Variation ID: 919210). An algorithm developed to predict the effect of missense changes on protein structure and function (PolyPhen-2) suggests that this variant is likely to be disruptive. In summary, the available evidence is currently insufficient to determine the role of this variant in disease. Therefore, it has been classified as a Variant of Uncertain Significance.

GeneDx
Classification: Uncertain significance. Last evaluated: 2024-04-19. Review status: criteria provided, single submitter. Criteria: GeneDx Variant Classification Process June 2021. Collection method: clinical testing. Allele origin: germline. Affected: yes.
Comment: Not observed at significant frequency in large population cohorts (gnomAD); In silico analysis indicates that this missense variant does not alter protein structure/function; Has not been previously published as pathogenic or benign to our knowledge

Color Diagnostics, LLC DBA Color Health
Classification: Uncertain significance for Cardiomyopathy. Last evaluated: 2024-03-06. Review status: criteria provided, single submitter. Criteria: ACMG Guidelines, 2015. Collection method: clinical testing. Allele origin: germline.
Comment: This missense variant replaces glycine with cysteine at codon 548 of the PKP2 protein. Computational prediction suggests that this variant may not impact protein structure and function (internally defined REVEL score threshold <= 0.5, PMID: 27666373). To our knowledge, functional studies have not been reported for this variant. This variant has not been reported in individuals affected with PKP2-related disorders in the literature. This variant has been identified in 3/282688 chromosomes in the general population by the Genome Aggregation Database (gnomAD). The available evidence is insufficient to determine the role of this variant in disease conclusively. Therefore, this variant is classified as a Variant of Uncertain Significance.

Ambry Genetics
Classification: Uncertain significance for Cardiovascular phenotype. Last evaluated: 2023-11-17. Review status: criteria provided, single submitter. Criteria: Ambry Variant Classification Scheme 2023. Collection method: clinical testing. Allele origin: germline.
Comment: The p.G548C variant (also known as c.1642G>T), located in coding exon 7 of the PKP2 gene, results from a G to T substitution at nucleotide position 1642. The glycine at codon 548 is replaced by cysteine, an amino acid with highly dissimilar properties. This amino acid position is conserved. In addition, this alteration is predicted to be tolerated by in silico analysis. Since supporting evidence is limited at this time, the clinical significance of this alteration remains unclear.

All of Us Research Program, National Institutes of Health
Classification: Uncertain significance for Arrhythmogenic right ventricular cardiomyopathy. Last evaluated: 2023-07-10. Review status: criteria provided, single submitter. Criteria: ACMG Guidelines, 2015. Collection method: clinical testing. Allele origin: germline. Inheritance: Autosomal dominant inheritance. Observed: 1 variant allele, 1 heterozygote.
Comment: This missense variant replaces glycine with cysteine at codon 548 of the PKP2 protein. Computational prediction tools and conservation analyses are inconclusive regarding the impact of this variant on protein function. Computational splicing tools suggest that this variant may not impact RNA splicing. To our knowledge, functional assays have not been performed for this variant nor has this variant been reported in individuals affected with cardiovascular disorders in the literature. This variant has been identified in 3/282688 chromosomes in the general population by the Genome Aggregation Database (gnomAD). Available evidence is insufficient to determine the role of this variant in disease conclusively. Therefore, this variant is classified as a Variant of Uncertain Significance.

This study involves interpretation of variants in research participants for the purpose of population health screening. Participant phenotype was not available at the time of variant classification. Additional details can be found in publication PMID: 35346344, PMCID: PMC8962531

NM_001005242.3(PKP2):c.1510G>T (p.Gly504Cys)

Gene: PKP2 (plakophilin 2; minus strand). Cytogenetic location: 12p11.21.
Variant type: single nucleotide variant.
Coding change: c.1510G>T on transcript NM_001005242.3 (MANE Select); coding-DNA position 1510, G replaced by T.
Protein change: p.Gly504Cys; replaces glycine 504 with cysteine.
Molecular consequence: missense variant.
Genome position (GRCh38, 1-based): chr12:32,841,074, C>A on the plus strand (G>T on the coding strand, the complement: PKP2 is on the minus strand). VCF-style: chr12-32841074-C-A. GRCh37 (hg19) VCF-style: chr12-32994008-C-A.
Other names: c.1642G>T, p.Gly548Cys (NM_004572.4); short protein forms G504C, G548C.
Identifiers: ClinVar variation 919210 (VCV000919210.14), dbSNP rs374641292, ClinGen allele CA029837.